The following is an entry in ClinVar:

ClinVar aggregate classification (germline): Pathogenic (1 of 4 stars; one submission).

Conditions:
Peutz-Jeghers syndrome (PJS). Also called: Peutz-Jeghers polyposis; Periorificial lentiginosis syndrome; POLYPOSIS, HAMARTOMATOUS INTESTINAL; POLYPS-AND-SPOTS SYNDROME. Identifiers: Orphanet 2869, MedGen C0031269, MeSH D010580, MONDO:0008280, OMIM 175200.

Submission:

Labcorp Genetics (formerly Invitae), Labcorp
Classification: Pathogenic for Peutz-Jeghers syndrome. Last evaluated: 2022-01-17. Review status: criteria provided, single submitter. Criteria: Invitae Variant Classification Sherloc (09022015). Collection method: clinical testing. Allele origin: germline.
Comment: This sequence change creates a premature translational stop signal (p.Glu165Glyfs*122) in the STK11 gene. It is expected to result in an absent or disrupted protein product. Loss-of-function variants in STK11 are known to be pathogenic (PMID: 15188174, 16287113). For these reasons, this variant has been classified as Pathogenic. Algorithms developed to predict the effect of sequence changes on RNA splicing suggest that this variant may create or strengthen a splice site. This variant has not been reported in the literature in individuals affected with STK11-related conditions. This variant is not present in population databases (gnomAD no frequency).

Literature cited by the submitters: PubMed 15188174; PubMed 16287113.

NM_000455.5(STK11):c.494del (p.Glu165fs)

Gene: STK11 (serine/threonine kinase 11; plus strand). Cytogenetic location: 19p13.3.
Variant type: Deletion.
Coding change: c.494del on transcript NM_000455.5 (MANE Select); coding-DNA position 494, one base deleted (A; older notation c.494delA).
Protein change: p.Glu165fs; shifts the reading frame from glutamic acid 165.
Molecular consequence: frameshift variant.
Genome position (GRCh38, 1-based): chr19:1,220,402, A deleted. VCF-style (leftmost placement, unchanged base first): chr19-1220401-GA-G. GRCh37 (hg19) VCF-style: chr19-1220400-GA-G.
Other names: c.494delA, p.Glu165Glyfs (NM_001407255.1); short protein forms E165fs.
Identifiers: ClinVar variation 2087199 (VCV002087199.4), dbSNP rs2512942605, ClinGen allele CA2580096065.